The following is an entry in ClinVar:

NM_006231.4(POLE):c.5957del (p.Leu1986fs)

Gene: POLE (DNA polymerase epsilon, catalytic subunit; minus strand). Cytogenetic location: 12q24.33.
Variant type: Deletion.
Coding change: c.5957del on transcript NM_006231.4 (MANE Select); coding-DNA position 5957, one base deleted (T; older notation c.5957delT).
Protein change: p.Leu1986fs; shifts the reading frame from leucine 1986.
Molecular consequence: frameshift variant.
Genome position (GRCh38, 1-based): chr12:132,634,233, A deleted on the plus strand (T on the coding strand, the reverse complement: POLE is on the minus strand); the first of 5 consecutive A bases (chr12:132,634,233-132,634,237); deleting any one gives the same sequence. VCF-style (leftmost placement, unchanged base first): chr12-132634232-CA-C. GRCh37 (hg19) VCF-style: chr12-133210818-CA-C.
Other names: short protein forms L1986fs.
Identifiers: ClinVar variation 1006722 (VCV001006722.8), dbSNP rs2041989992, ClinGen allele CA2072981620.

ClinVar aggregate classification (germline): Pathogenic (1 of 4 stars; one submission).

Submission:

Labcorp Genetics (formerly Invitae), Labcorp
Classification: Pathogenic. Last evaluated: 2025-07-17. Review status: criteria provided, single submitter. Criteria: Invitae Variant Classification Sherloc (09022015). Collection method: clinical testing. Allele origin: germline.
Comment: This sequence change creates a premature translational stop signal (p.Leu1986Cysfs*13) in the POLE gene. It is expected to result in an absent or disrupted protein product. Loss-of-function variants in POLE are known to be pathogenic (PMID: 23230001, 25948378, 30503519). This variant is not present in population databases (gnomAD no frequency). This variant has not been reported in the literature in individuals affected with POLE-related conditions. ClinVar contains an entry for this variant (Variation ID: 1006722). For these reasons, this variant has been classified as Pathogenic.

Literature cited by the submitters: PubMed 23230001; PubMed 25948378; PubMed 30503519.